The following is an entry in ClinVar:

ClinVar aggregate classification (germline): Benign (1 of 4 stars; one submission).

Allele frequency attached by ClinVar (database versions not stated): gnomAD exomes 0.33036; gnomAD 0.37750; TOPMed 0.38129; 1000 Genomes Project 0.40595.
gnomAD v4.1: 508,721 of 1,517,182 alleles (34%); highest among the groups gnomAD compares: African/African-American, 48%; 86,768 homozygotes.

Submission:

Unidad de Genómica Garrahan, Hospital de Pediatría Garrahan
Classification: Benign. Last evaluated: 2024-01-24. Review status: criteria provided, single submitter. Criteria: ACMG Guidelines, 2015. Collection method: clinical testing. Allele origin: germline. Affected: no. Observed: 51 variant alleles.
Comment: This variant is classified as Benign based on local population frequency. This variant was detected in 58% of patients studied by a panel of primary immunodeficiencies. Number of patients: 51. Only high quality variants are reported.

NM_002198.3(IRF1):c.853+84A>G

Gene: IRF1 (interferon regulatory factor 1; minus strand). Cytogenetic location: 5q31.1.
Variant type: single nucleotide variant.
Coding change: c.853+84A>G on transcript NM_002198.3 (MANE Select); 84 bases into the intron after coding-DNA position 853, A replaced by G.
Molecular consequence: intron variant.
Genome position (GRCh38, 1-based): chr5:132,484,278, T>C on the plus strand (A>G on the coding strand, the complement: IRF1 is on the minus strand). VCF-style: chr5-132484278-T-C. GRCh37 (hg19) VCF-style: chr5-131819970-T-C.
Other names: c.730+84A>G (NM_001354924.1); c.668-203A>G (NM_001354925.1).
Identifiers: ClinVar variation 2688398 (VCV002688398.2), dbSNP rs7701588, ClinGen allele CA12010469.
Genomic context (GRCh38, chr5:132,484,278, plus strand): 5'-GGCATGGCAGCCGTAGCTAATTCACAATGTGTCAGTACCCCAGATGCTTTACCGCCCTGC[T>C]CCCTGGCCCTGCCCCCAAGCTTTCTCCATCCCTACGTGGTTCTCCCTCATCTAAGAAGCC-3'